The following is an entry in ClinVar:

ClinVar aggregate classification (germline): Uncertain significance (1 of 4 stars; one submission).

Conditions:
Aortic valve disease 2 (AOVD2). Identifiers: MedGen C3542024, MONDO:0013902, OMIM 614823.

gnomAD v4.1: 1 of 1,600,098 alleles (0.000062%); highest among the groups gnomAD compares: Non-Finnish European, 0.000085%; no homozygotes.

Submission:

Labcorp Genetics (formerly Invitae), Labcorp
Classification: Uncertain significance for Aortic valve disease 2. Last evaluated: 2025-10-24. Review status: criteria provided, single submitter. Criteria: Invitae Variant Classification Sherloc (09022015). Collection method: clinical testing. Allele origin: germline.
Comment: This sequence change replaces arginine, which is basic and polar, with cysteine, which is neutral and slightly polar, at codon 443 of the SMAD6 protein (p.Arg443Cys). This variant is not present in population databases (gnomAD no frequency). This variant has not been reported in the literature in individuals affected with SMAD6-related conditions. Invitae Evidence Modeling of protein sequence and biophysical properties (such as structural, functional, and spatial information, amino acid conservation, physicochemical variation, residue mobility, and thermodynamic stability) indicates that this missense variant is not expected to disrupt SMAD6 protein function with a negative predictive value of 80%. In summary, the available evidence is currently insufficient to determine the role of this variant in disease. Therefore, it has been classified as a Variant of Uncertain Significance.

NM_005585.5(SMAD6):c.1327C>T (p.Arg443Cys)

Gene: SMAD6 (SMAD family member 6; plus strand). Cytogenetic location: 15q22.31.
Variant type: single nucleotide variant.
Coding change: c.1327C>T on transcript NM_005585.5 (MANE Select); coding-DNA position 1327, C replaced by T.
Protein change: p.Arg443Cys; replaces arginine 443 with cysteine.
Molecular consequence: missense variant. On other transcripts: non-coding transcript variant (1).
Genome position (GRCh38, 1-based): chr15:66,781,371, C>T. VCF-style: chr15-66781371-C-T. GRCh37 (hg19) VCF-style: chr15-67073709-C-T.
Other names: short protein forms R443C.
Identifiers: ClinVar variation 4738639 (VCV004738639.1).